The following is an entry in ClinVar:

ClinVar aggregate classification (germline): Pathogenic. Review status: criteria provided, multiple submitters, no conflicts (2 of 4 stars). 17 submissions from 17 submitters: Pathogenic (12). 5 of the submissions do not count toward it. Last evaluated 2026-06-18.

Conditions:
EYS-related disorder. Also called: EYS-related condition.
Retinal dystrophy. Also called: Inherited retinal dystrophy. Identifiers: Orphanet 71862, MedGen C0854723, MeSH D058499, MONDO:0019118, HP:0000556.
Retinitis pigmentosa (RP). Identifiers: Orphanet 791, MedGen C0035334, MeSH D012174, MONDO:0019200, OMIM 268000. Inheritance: Autosomal dominant, autosomal recessive and X linked inheritance.
Retinitis pigmentosa 25 (RP25). Identifiers: Orphanet 791, MedGen C1864446, MONDO:0011272, OMIM 602772.

Allele frequency attached by ClinVar (database versions not stated): gnomAD exomes 0.00002 and 0.00006; gnomAD 0.00004 and 0.00005; ExAC 0.00005; TOPMed 0.00005; 1000 Genomes Project 30x 0.00016; 1000 Genomes Project 0.00020.
gnomAD v4.1: 89 of 1,551,738 alleles (0.0057%); highest among the groups gnomAD compares: Non-Finnish European, 0.0076%; no homozygotes.

Submissions (17):

PreventionGenetics, part of Exact Sciences
Classification: Pathogenic for EYS-related condition. Last evaluated: 2026-06-18. Review status: criteria provided, single submitter. Criteria: ACMG Guidelines, 2015. Collection method: clinical testing. Allele origin: germline.
Comment: The EYS c.7095T>G variant is predicted to result in premature protein termination (p.Tyr2365*). This variant has been reported in individuals with retinitis pigmentosa (see for examples: Littink et al. 2010. PubMed ID: 20537394; Table S1, Stone et al. 2017. PubMed ID: 28559085). This variant is present in 0.0060% of alleles in individuals of African descent in gnomAD. Nonsense variants in EYS are an established mechanism of disease. This variant is interpreted as pathogenic.

3billion
Classification: Pathogenic for Retinitis pigmentosa 25. Last evaluated: 2025-12-15. Review status: criteria provided, single submitter. Criteria: ACMG Guidelines, 2015. Collection method: clinical testing. Allele origin: germline. Affected: yes.
Comment: The variant is observed at an extremely low frequency in the gnomAD v4.1.0 dataset (total allele frequency: 0.006%). Predicted Consequence/Location: Stop-gained (nonsense): predicted to result in a loss or disruption of normal protein function through nonsense-mediated decay (NMD) or protein truncation. Multiple pathogenic variants are reported downstream of the variant. The variant has been reported at least twice as pathogenic with clinical assertions and evidence for the classification (ClinVar ID: VCV000093621 /PMID: 20537394). Therefore, this variant is classified as Pathogenic according to the recommendation of ACMG/AMP guideline.

Natera, Inc.
Classification: Pathogenic for Retinitis pigmentosa type 25. Last evaluated: 2025-11-03. Review status: criteria provided, single submitter. Criteria: Natera Variant Classification Schema (03/2026). Collection method: clinical testing. Allele origin: germline.
Comment: The c.7095T>G variant in EYS is a nonsense variant predicted to introduce a stop codon at amino acid 2365. This variant is expected to result in nonsense mediated decay, truncation, or a dysfunctional protein product. This variant is rare in the general population with a frequency below the threshold expected for the associated phenotype(s). This variant has been observed in one or more individuals affected with the associated recessive disease, as either homozygous or compound heterozygous with a second variant (PMID: 22581970). Given the available evidence, this variant is classified as Pathogenic.

Labcorp Genetics (formerly Invitae), Labcorp
Classification: Pathogenic. Last evaluated: 2025-07-09. Review status: criteria provided, single submitter. Criteria: Invitae Variant Classification Sherloc (09022015). Collection method: clinical testing. Allele origin: germline.
Comment: This sequence change creates a premature translational stop signal (p.Tyr2365*) in the EYS gene. It is expected to result in an absent or disrupted protein product. Loss-of-function variants in EYS are known to be pathogenic (PMID: 18836446, 20333770). This variant is present in population databases (rs398123575, gnomAD 0.006%). This premature translational stop signal has been observed in individuals with retinitis pigmentosa (PMID: 20537394, 28041643). ClinVar contains an entry for this variant (Variation ID: 93621). For these reasons, this variant has been classified as Pathogenic.

Revvity Omics, Revvity
Classification: Pathogenic for Retinitis pigmentosa 25. Last evaluated: 2025-06-13. Review status: criteria provided, single submitter. Criteria: ACMG Guidelines, 2015. Collection method: clinical testing. Allele origin: germline.

Women's Health and Genetics/Laboratory Corporation of America, LabCorp
Classification: Pathogenic for Retinitis pigmentosa. Last evaluated: 2024-08-07. Review status: criteria provided, single submitter. Criteria: LabCorp Variant Classification Summary - May 2015. Collection method: clinical testing. Allele origin: germline.
Comment: Variant summary: EYS c.7095T>G (p.Tyr2365X) results in a premature termination codon, predicted to cause a truncation of the encoded protein or absence of the protein due to nonsense mediated decay, which are commonly known mechanisms for disease. The variant allele was found at a frequency of 1.9e-05 in 156984 control chromosomes. c.7095T>G has been reported in the literature in individuals affected with Retinitis Pigmentosa (Turro_2021). To our knowledge, no experimental evidence demonstrating an impact on protein function has been reported. The following publication have been ascertained in the context of this evaluation (PMID: 32581362). ClinVar contains an entry for this variant (Variation ID: 93621). Based on the evidence outlined above, the variant was classified as pathogenic.

Baylor Genetics
Classification: Pathogenic for Retinitis pigmentosa 25. Last evaluated: 2024-02-15. Review status: criteria provided, single submitter. Criteria: ACMG Guidelines, 2015. Collection method: clinical testing. Allele origin: unknown.

GeneDx
Classification: Pathogenic. Last evaluated: 2023-10-14. Review status: criteria provided, single submitter. Criteria: GeneDx Variant Classification Process June 2021. Collection method: clinical testing. Allele origin: germline. Affected: yes.
Comment: Observed in patients with retinitis pigmentosa in the literature who also harbored a second EYS variant (Littink et al., 2010; Ellingford et al., 2016); Nonsense variant predicted to result in protein truncation or nonsense mediated decay in a gene for which loss-of-function is a known mechanism of disease; This variant is associated with the following publications: (PMID: 25525159, 31074760, 28041643, 29159838, 26872967, 28559085, 32581362, 31589614, 20537394)

Blueprint Genetics
Classification: Pathogenic for EYS-related disorders. Last evaluated: 2022-08-10. Review status: criteria provided, single submitter. Criteria: ACMG Guidelines, 2015. Collection method: clinical testing. Allele origin: germline. Affected: yes. Observed: 5 variant alleles.

Fulgent Genetics
Classification: Pathogenic for Retinitis pigmentosa 25. Last evaluated: 2022-02-09. Review status: criteria provided, single submitter. Criteria: ACMG Guidelines, 2015. Collection method: clinical testing. Allele origin: unknown.

Ocular Genomics Institute, Massachusetts Eye and Ear
Classification: Pathogenic for Retinitis pigmentosa 25. Last evaluated: 2021-04-08. Review status: criteria provided, single submitter. Criteria: ACMG Guidelines, 2015. Collection method: research. Allele origin: germline. Affected: yes.
Comment: Through a review of available evidence we were able to apply the following criteria: PVS1, PM2, PM3. Based on this evidence we have classified this variant as Pathogenic.

Eurofins Ntd Llc (ga)
Classification: Pathogenic. Last evaluated: 2013-09-10. Review status: criteria provided, single submitter. Criteria: EGL Classification Definitions. Collection method: clinical testing. Allele origin: germline. Observed: 1 variant allele, 1 heterozygote.

Centre for Genomic Medicine, Manchester, Central Manchester University Hospitals
Classification: Pathogenic for Retinal dystrophy. Last evaluated: 2015-01-30. Review status: no assertion criteria provided. Collection method: clinical testing. Allele origin: germline. Affected: yes. Not counted in ClinVar's aggregate classification.

NIHR Bioresource Rare Diseases, University of Cambridge
Classification: Pathogenic for Retinitis pigmentosa. Last evaluated: 2015-01-01. Review status: no assertion criteria provided. Collection method: research. Allele origin: unknown. Affected: yes. Observed: 1 variant allele. Not counted in ClinVar's aggregate classification.

Clinical Genetics DNA and cytogenetics Diagnostics Lab, Erasmus MC, Erasmus Medical Center
Classification: Pathogenic. Review status: no assertion criteria provided. Collection method: clinical testing. Allele origin: germline. Affected: yes. Study: VKGL Data-share Consensus. Not counted in ClinVar's aggregate classification.

Genome Diagnostics Laboratory, Amsterdam University Medical Center
Classification: Pathogenic. Review status: no assertion criteria provided. Collection method: clinical testing. Allele origin: germline. Affected: yes. Study: VKGL Data-share Consensus. Not counted in ClinVar's aggregate classification.

Joint Genome Diagnostic Labs from Nijmegen and Maastricht, Radboudumc and MUMC+
Classification: Pathogenic. Review status: no assertion criteria provided. Collection method: clinical testing. Allele origin: germline. Affected: yes. Study: VKGL Data-share Consensus. Not counted in ClinVar's aggregate classification.

Literature cited by the submitters: PubMed 20537394 (cited by 4 submitters); PubMed 22581970 (cited by Natera, Inc.); PubMed 18836446 (cited by Labcorp Genetics (formerly Invitae), Labcorp); PubMed 20333770 (cited by Labcorp Genetics (formerly Invitae), Labcorp); PubMed 28041643 (cited by 3 submitters); PubMed 32581362 (cited by Women's Health and Genetics/Laboratory Corporation of America, LabCorp); PubMed 26872967 (cited by Ocular Genomics Institute, Massachusetts Eye and Ear and Centre for Genomic Medicine, Manchester, Central Manchester University Hospitals).

NM_001142800.2(EYS):c.7095T>G (p.Tyr2365Ter)

Gene: EYS (EGF-like photoreceptor maintenance factor; minus strand). Cytogenetic location: 6q12.
Variant type: single nucleotide variant.
Coding change: c.7095T>G on transcript NM_001142800.2 (MANE Select); coding-DNA position 7095, T replaced by G.
Protein change: p.Tyr2365Ter; replaces tyrosine 2365 with a stop codon.
Molecular consequence: nonsense.
Genome position (GRCh38, 1-based): chr6:63,864,319, A>C on the plus strand (T>G on the coding strand, the complement: EYS is on the minus strand). VCF-style: chr6-63864319-A-C. GRCh37 (hg19) VCF-style: chr6-64574212-A-C.
Other names: c.7095T>G, p.Tyr2365Ter (NM_001292009.2); short protein forms Y2365*.
Identifiers: ClinVar variation 93621 (VCV000093621.31), dbSNP rs398123575, ClinGen allele CA221547.